The following is an entry in ClinVar:

ClinVar aggregate classification (germline): Uncertain significance (1 of 4 stars; one submission).

Submission:

Greenwood Genetic Center Diagnostic Laboratories, Greenwood Genetic Center
Classification: Uncertain significance. Last evaluated: 2021-12-22. Review status: criteria provided, single submitter. Criteria: ACMG Guidelines, 2015. Collection method: clinical testing. Allele origin: germline. Affected: yes.
Comment: PM2

NM_007118.4(TRIO):c.5204-3325G>C

Gene: TRIO (trio Rho guanine nucleotide exchange factor; plus strand). Cytogenetic location: 5p15.2.
Variant type: single nucleotide variant.
Coding change: c.5204-3325G>C on transcript NM_007118.4 (MANE Select); 3325 bases into the intron before coding-DNA position 5204, G replaced by C.
Molecular consequence: intron variant.
Genome position (GRCh38, 1-based): chr5:14,457,694, G>C. VCF-style: chr5-14457694-G-C. GRCh37 (hg19) VCF-style: chr5-14457803-G-C.
Identifiers: ClinVar variation 1334677 (VCV001334677.4), dbSNP rs1238607769, ClinGen allele CA1528753650.